The following is an entry in ClinVar:

NM_001379081.2(FREM1):c.5220G>A (p.Trp1740Ter)

Gene: FREM1 (FRAS1 related extracellular matrix 1; minus strand). Cytogenetic location: 9p22.3.
Variant type: single nucleotide variant.
Coding change: c.5220G>A on transcript NM_001379081.2 (MANE Select); coding-DNA position 5220, G replaced by A.
Protein change: p.Trp1740Ter; replaces tryptophan 1740 with a stop codon.
Molecular consequence: nonsense. On other transcripts: non-coding transcript variant (2).
Genome position (GRCh38, 1-based): chr9:14,759,886, C>T on the plus strand (G>A on the coding strand, the complement: FREM1 is on the minus strand). VCF-style: chr9-14759886-C-T. GRCh37 (hg19) VCF-style: chr9-14759884-C-T.
Other names: c.828G>A, p.Trp276Ter (NM_001177704.3, NM_001370058.2, NM_001370061.2); c.5220G>A, p.Trp1740Ter (NM_144966.7); short protein forms W1740*, W276*.
Identifiers: ClinVar variation 4732017 (VCV004732017.1).
Genomic context (GRCh38, chr9:14,759,886, plus strand): 5'-GGGCAACAAACCCACATTCTCACAGACTTCATATTCGGTCTGTGACCATTCAATATGAGA[C>T]CACTTCAGTTCCAAACTGTGTGTGAAAGGAAAAGAGAAATCATGAGAATGCATAGTATAT-3'

ClinVar aggregate classification (germline): Pathogenic (1 of 4 stars; one submission).

gnomAD v4.1: 3 of 1,610,868 alleles (0.00019%); highest among the groups gnomAD compares: African/African-American, 0.0027%; no homozygotes.

Submission:

Labcorp Genetics (formerly Invitae), Labcorp
Classification: Pathogenic. Last evaluated: 2026-01-22. Review status: criteria provided, single submitter. Criteria: Invitae Variant Classification Sherloc (09022015). Collection method: clinical testing. Allele origin: germline.
Comment: This sequence change creates a premature translational stop signal (p.Trp1740*) in the FREM1 gene. It is expected to result in an absent or disrupted protein product. Loss-of-function variants in FREM1 are known to be pathogenic (PMID: 19732862, 21507892). This variant is not present in population databases (gnomAD no frequency). This variant has not been reported in the literature in individuals affected with FREM1-related conditions. For these reasons, this variant has been classified as Pathogenic.

Literature cited by the submitters: PubMed 19732862; PubMed 21507892.